The following is an entry in ClinVar:

NM_015335.5(MED13L):c.3401G>A (p.Cys1134Tyr)

Gene: MED13L (mediator complex subunit 13L; minus strand). Cytogenetic location: 12q24.21.
Variant type: single nucleotide variant.
Coding change: c.3401G>A on transcript NM_015335.5 (MANE Select); coding-DNA position 3401, G replaced by A.
Protein change: p.Cys1134Tyr; replaces cysteine 1134 with tyrosine.
Molecular consequence: missense variant.
Genome position (GRCh38, 1-based): chr12:115,991,553, C>T on the plus strand (G>A on the coding strand, the complement: MED13L is on the minus strand). VCF-style: chr12-115991553-C-T. GRCh37 (hg19) VCF-style: chr12-116429358-C-T.
Other names: short protein forms C1134Y.
Identifiers: ClinVar variation 3775394 (VCV003775394.1).
Genomic context (GRCh38, chr12:115,991,553, plus strand): 5'-TTGGAAGAATCGGGGATGTAAAGCCCGACATCCGCCCCTTTGATGTTCATGTTGCAGGCA[C>T]AGATGCAACAGCTGTCAAAGTTTCTGTCTTTAAAGATATTCATCACGGAATCGGAGAGAA-3'
Protein context (NP_056150.1, residues 1124-1144): KDRNFDSCCI[Cys1134Tyr]ACNMNIKGAD

ClinVar aggregate classification (germline): Uncertain significance (1 of 4 stars; one submission).

Conditions:
Cardiac anomalies - developmental delay - facial dysmorphism syndrome (MRFACD). Also called: Impaired intellectual development and distinctive facial features with or without cardiac defects; MED13L Syndrome. Identifiers: Orphanet 369891, MedGen C5192431, MONDO:0014773, OMIM 616789.

Submission:

3billion
Classification: Uncertain significance for Cardiac anomalies - developmental delay - facial dysmorphism syndrome. Last evaluated: 2023-08-08. Review status: criteria provided, single submitter. Criteria: ACMG Guidelines, 2015. Collection method: clinical testing. Allele origin: germline. Affected: yes.
Comment: The variant is not observed in the gnomAD v2.1.1 dataset. Predicted Consequence/Location: Missense variant In silico tool predictions suggest damaging effect of the variant on gene or gene product [REVEL: 0.93 (>=0.6, sensitivity 0.68 and specificity 0.92); 3Cnet: 0.80 (>=0.6, sensitivity 0.72 and precision 0.9)]. Therefore, this variant is classified as VUS according to the recommendation of ACMG/AMP guideline.